The following is an entry in ClinVar:

NM_032119.4(ADGRV1):c.1224A>T (p.Glu408Asp)

Gene: ADGRV1 (adhesion G protein-coupled receptor V1; plus strand). Cytogenetic location: 5q14.3.
Variant type: single nucleotide variant.
Coding change: c.1224A>T on transcript NM_032119.4 (MANE Select); coding-DNA position 1224, A replaced by T.
Protein change: p.Glu408Asp; replaces glutamic acid 408 with aspartic acid.
Molecular consequence: missense variant. On other transcripts: non-coding transcript variant (1).
Genome position (GRCh38, 1-based): chr5:90,627,762, A>T. VCF-style: chr5-90627762-A-T. GRCh37 (hg19) VCF-style: chr5-89923579-A-T.
Other names: short protein forms E408D.
Identifiers: ClinVar variation 1948749 (VCV001948749.2), dbSNP rs768534331, ClinGen allele CA3338630.

ClinVar aggregate classification (germline): Uncertain significance (1 of 4 stars; one submission).

Allele frequency attached by ClinVar (database versions not stated): gnomAD exomes below 0.00001; ExAC 0.00001.
gnomAD v4.1: 2 of 1,517,732 alleles (0.00013%); highest among the groups gnomAD compares: Non-Finnish European, 0.00018%; no homozygotes.

Submission:

Labcorp Genetics (formerly Invitae), Labcorp
Classification: Uncertain significance. Last evaluated: 2022-06-23. Review status: criteria provided, single submitter. Criteria: Invitae Variant Classification Sherloc (09022015). Collection method: clinical testing. Allele origin: germline.
Comment: This sequence change replaces glutamic acid, which is acidic and polar, with aspartic acid, which is acidic and polar, at codon 408 of the ADGRV1 protein (p.Glu408Asp). This variant is present in population databases (rs768534331, gnomAD 0.001%). This variant has not been reported in the literature in individuals affected with ADGRV1-related conditions. Algorithms developed to predict the effect of missense changes on protein structure and function are either unavailable or do not agree on the potential impact of this missense change (SIFT: "Deleterious"; PolyPhen-2: "Possibly Damaging"; Align-GVGD: "Class C0"). In summary, the available evidence is currently insufficient to determine the role of this variant in disease. Therefore, it has been classified as a Variant of Uncertain Significance.